The following is an entry in ClinVar:

NM_018124.4(RFWD3):c.871C>G (p.Leu291Val)

Gene: RFWD3 (ring finger and WD repeat domain 3; minus strand). Cytogenetic location: 16q23.1.
Variant type: single nucleotide variant.
Coding change: c.871C>G on transcript NM_018124.4 (MANE Select); coding-DNA position 871, C replaced by G.
Protein change: p.Leu291Val; replaces leucine 291 with valine.
Molecular consequence: missense variant.
Genome position (GRCh38, 1-based): chr16:74,644,657, G>C on the plus strand (C>G on the coding strand, the complement: RFWD3 is on the minus strand). VCF-style: chr16-74644657-G-C. GRCh37 (hg19) VCF-style: chr16-74678555-G-C.
Other names: c.871C>G, p.Leu291Val (NM_001370534.1, NM_001370535.1, NM_001370536.1); c.37C>G, p.Leu13Val (NM_001370537.1, NM_001370539.1, NM_001370540.1 and 3 more transcripts); short protein forms L291V, L13V.
Identifiers: ClinVar variation 2180965 (VCV002180965.4), dbSNP rs774978765, ClinGen allele CA8169402.
Genomic context (GRCh38, chr16:74,644,657, plus strand): 5'-AGAGATGCCCACAGCGTAATGCTGAGAGCCGGTGGTCCCCAGCATTGGTCCACTGTTCCA[G>C]ACATATTGTACAAGTGTCCCCTTCTTCCTCATCCATAGAAGCAGAAGGTAGCAGAGGCTC-3'
Protein context (NP_060594.3, residues 281-301): EEEGDTCTIC[Leu291Val]EQWTNAGDHR

ClinVar aggregate classification (germline): Uncertain significance (1 of 4 stars; one submission).

Allele frequency attached by ClinVar (database versions not stated): ExAC 0.00001; TOPMed 0.00004; gnomAD 0.00005; gnomAD exomes 0.00007.
gnomAD v4.1: 111 of 1,614,102 alleles (0.0069%); highest among the groups gnomAD compares: Non-Finnish European, 0.0091%; no homozygotes.

Submission:

Labcorp Genetics (formerly Invitae), Labcorp
Classification: Uncertain significance. Last evaluated: 2025-12-06. Review status: criteria provided, single submitter. Criteria: Invitae Variant Classification Sherloc (09022015). Collection method: clinical testing. Allele origin: germline.
Comment: This sequence change replaces leucine, which is neutral and non-polar, with valine, which is neutral and non-polar, at codon 291 of the RFWD3 protein (p.Leu291Val). This variant is present in population databases (rs774978765, gnomAD 0.004%). This variant has not been reported in the literature in individuals affected with RFWD3-related conditions. ClinVar contains an entry for this variant (Variation ID: 2180965). An algorithm developed to predict the effect of missense changes on protein structure and function (PolyPhen-2) suggests that this variant is likely to be disruptive. In summary, the available evidence is currently insufficient to determine the role of this variant in disease. Therefore, it has been classified as a Variant of Uncertain Significance.